The following is an entry in ClinVar:

NM_001129.5(AEBP1):c.1258C>G (p.Gln420Glu)

Gene: AEBP1 (AE binding protein 1; plus strand). Cytogenetic location: 7p13.
Variant type: single nucleotide variant.
Coding change: c.1258C>G on transcript NM_001129.5 (MANE Select); coding-DNA position 1258, C replaced by G.
Protein change: p.Gln420Glu; replaces glutamine 420 with glutamic acid.
Molecular consequence: missense variant.
Genome position (GRCh38, 1-based): chr7:44,110,122, C>G. VCF-style: chr7-44110122-C-G. GRCh37 (hg19) VCF-style: chr7-44149721-C-G.
Other names: short protein forms Q420E.
Identifiers: ClinVar variation 3907083 (VCV003907083.1).

ClinVar aggregate classification (germline): Uncertain significance (1 of 4 stars; one submission).

gnomAD v4.1: 8 of 1,613,028 alleles (0.0005%); highest among the groups gnomAD compares: Non-Finnish European, 0.00068%; no homozygotes.

Submission:

Women's Health and Genetics/Laboratory Corporation of America, LabCorp
Classification: Uncertain significance. Last evaluated: 2025-06-16. Review status: criteria provided, single submitter. Criteria: LabCorp Variant Classification Summary - May 2015. Collection method: clinical testing. Allele origin: germline.
Comment: Variant summary: AEBP1 c.1258C>G (p.Gln420Glu) results in a conservative amino acid change in the encoded protein sequence. Algorithms developed to predict the effect of missense changes on protein structure and function are either unavailable or do not agree on the potential impact of this missense change. Several computational tools predict a significant impact on normal splicing: One predict the variant abolishes a 5' splicing donor site. Two predict the variant weakens a 5' donor site. One predict the variant no significant impact on splicing. However, these predictions have yet to be confirmed by functional studies. The variant was absent in 250050 control chromosomes. The available data on variant occurrences in the general population are insufficient to allow any conclusion about variant significance. To our knowledge, no occurrence of c.1258C>G in individuals affected with Ehlers-Danlos syndrome, classic-like, 2 and no experimental evidence demonstrating its impact on protein function have been reported. No submitters have cited clinical-significance assessments for this variant to ClinVar. Based on the evidence outlined above, the variant was classified as uncertain significance.